The following is an entry in ClinVar:

ClinVar aggregate classification (germline): Uncertain significance (1 of 4 stars; one submission).

Conditions:
PLXNA3-related disorder. Also called: PLXNA3-related condition.

gnomAD v4.1: 2 of 1,208,638 alleles (0.00017%); highest among the groups gnomAD compares: Non-Finnish European, 0.00022%; no homozygotes.

Submissions (3):

PreventionGenetics, part of Exact Sciences
Classification: Uncertain significance for PLXNA3-related condition. Last evaluated: 2025-12-04. Review status: criteria provided, single submitter. Criteria: ACMG Guidelines, 2015. Collection method: clinical testing. Allele origin: germline.
Comment: The PLXNA3 c.2114G>A variant is predicted to result in the amino acid substitution p.Arg705Gln. To our knowledge, this variant has not been reported in the literature or in a large population database (gnomAD), indicating this variant is rare. Of note, an alternate missense change at this position (p.Arg705Trp) has been reported in an individual with autism (Tran et al. 2020. PubMed ID: 32193494). At this time, the clinical significance of this variant is uncertain due to the absence of conclusive functional and genetic evidence.

Dr. Peter K. Rogan Lab, Western University
No classification provided (evidence only). Condition: Nonpapillary renal cell carcinoma. Review status: no classification provided. Collection method: in vitro. Allele origin: not applicable. Functional consequence: retained intron. Not counted in ClinVar's aggregate classification.

Dr. Peter K. Rogan Lab, Western University
No classification provided (evidence only). Condition: Nonpapillary renal cell carcinoma. Review status: no classification provided. Collection method: in vitro. Allele origin: not applicable. Functional consequence: retained intron. Not counted in ClinVar's aggregate classification.

NM_017514.5(PLXNA3):c.2114G>A (p.Arg705Gln)

Gene: PLXNA3 (plexin A3; plus strand). Cytogenetic location: Xq28.
Variant type: single nucleotide variant.
Coding change: c.2114G>A on transcript NM_017514.5 (MANE Select); coding-DNA position 2114, G replaced by A.
Protein change: p.Arg705Gln; replaces arginine 705 with glutamine.
Molecular consequence: missense variant.
Genome position (GRCh38, 1-based): chrX:154,465,088, G>A. VCF-style: chrX-154465088-G-A. GRCh37 (hg19) VCF-style: chrX-153693431-G-A.
Other names: NC_000023.10:g.153693431G>A; short protein forms R705Q.
Identifiers: ClinVar variation 4479270 (VCV004479270.2).
Genomic context (GRCh38, chrX:154,465,088, plus strand): 5'-AGATCCTGCCCAGTGGGGACCTCCTGATCCCCGTTGGGGTCATGCAGCCTCTTACCTTGC[G>A]GGCTAAGAACCTACCTCAGCCGCAGTCGGGCCAGAAGAACTATGAGTGCGTGGTGCGGGT-3'
Protein context (NP_059984.3, residues 695-715): PVGVMQPLTL[Arg705Gln]AKNLPQPQSG